The following is an entry in ClinVar:

ClinVar aggregate classification (germline): Uncertain significance. Review status: criteria provided, multiple submitters, no conflicts (2 of 4 stars). 2 submissions from 2 submitters: Uncertain significance (2). Last evaluated 2024-12-05.

Allele frequency attached by ClinVar (database versions not stated): gnomAD exomes 0.00003; TOPMed 0.00002; gnomAD 0.00005.

Submissions (2):

Ambry Genetics
Classification: Uncertain significance. Last evaluated: 2024-12-05. Review status: criteria provided, single submitter. Criteria: Ambry Variant Classification Scheme 2023. Collection method: clinical testing. Allele origin: germline.

Labcorp Genetics (formerly Invitae), Labcorp
Classification: Uncertain significance. Last evaluated: 2023-10-30. Review status: criteria provided, single submitter. Criteria: Invitae Variant Classification Sherloc (09022015). Collection method: clinical testing. Allele origin: germline.
Comment: This sequence change replaces alanine, which is neutral and non-polar, with threonine, which is neutral and polar, at codon 905 of the PITRM1 protein (p.Ala905Thr). This variant is present in population databases (no rsID available, gnomAD 0.006%). This variant has not been reported in the literature in individuals affected with PITRM1-related conditions. ClinVar contains an entry for this variant (Variation ID: 2077496). An algorithm developed to predict the effect of missense changes on protein structure and function (PolyPhen-2) suggests that this variant is likely to be tolerated. In summary, the available evidence is currently insufficient to determine the role of this variant in disease. Therefore, it has been classified as a Variant of Uncertain Significance.

NM_014889.4(PITRM1):c.3007G>A (p.Ala1003Thr)

Gene: PITRM1 (pitrilysin metallopeptidase 1; minus strand). Cytogenetic location: 10p15.2.
Variant type: single nucleotide variant.
Coding change: c.3007G>A on transcript NM_014889.4 (MANE Select); coding-DNA position 3007, G replaced by A.
Protein change: p.Ala1003Thr; replaces alanine 1003 with threonine.
Molecular consequence: missense variant. On other transcripts: non-coding transcript variant (4).
Genome position (GRCh38, 1-based): chr10:3,138,248, C>T on the plus strand (G>A on the coding strand, the complement: PITRM1 is on the minus strand). VCF-style: chr10-3138248-C-T. GRCh37 (hg19) VCF-style: chr10-3180440-C-T.
Other names: c.3010G>A (NM_001242307.1); c.3010G>A, p.Ala1004Thr (NM_001242307.2); c.2713G>A, p.Ala905Thr (NM_001242309.1); c.2809G>A, p.Ala937Thr (NM_001347725.2); c.2194G>A, p.Ala732Thr (NM_001347726.2); c.2392G>A, p.Ala798Thr (NM_001347727.2); c.1702G>A, p.Ala568Thr (NM_001347728.2); c.2983G>A, p.Ala995Thr (NM_001347729.1); and 1 more; short protein forms A732T, A905T, A937T, A995T, A1004T, A568T, A929T, A1003T.
Identifiers: ClinVar variation 2077496 (VCV002077496.5), dbSNP rs1488536802, ClinGen allele CA375865526.
Genomic context (GRCh38, chr10:3,138,248, plus strand): 5'-ACGAGGGCTTCCAGTCCCAGACGCTGTCTCCCCCGCTCCCCACTCACCTATCGCTCACGG[C>T]CAGGAGCTTGTCGTGGCTGACAGCAAAGAGCTGCTCTCTGTGGGCCTGCTTCATCTCATC-3'
Protein context (NP_055704.2, residues 993-1013): LFAVSHDKLL[Ala1003Thr]VSDRYLGTGK